The following is an entry in ClinVar:

NM_006005.3(WFS1):c.175G>T (p.Ala59Ser)

Gene: WFS1 (wolframin ER transmembrane glycoprotein; plus strand). Cytogenetic location: 4p16.1.
Variant type: single nucleotide variant.
Coding change: c.175G>T on transcript NM_006005.3 (MANE Select); coding-DNA position 175, G replaced by T.
Protein change: p.Ala59Ser; replaces alanine 59 with serine.
Molecular consequence: missense variant.
Genome position (GRCh38, 1-based): chr4:6,277,630, G>T. VCF-style: chr4-6277630-G-T. GRCh37 (hg19) VCF-style: chr4-6279357-G-T.
Other names: c.175G>T, p.Ala59Ser (NM_001145853.1); short protein forms A59S.
Identifiers: ClinVar variation 1320724 (VCV001320724.10), dbSNP rs867512186, ClinGen allele CA356169780.

ClinVar aggregate classification (germline): Uncertain significance. Review status: criteria provided, multiple submitters, no conflicts (2 of 4 stars). 3 submissions from 3 submitters: Uncertain significance (3). Last evaluated 2023-11-07.

Conditions:
Inborn genetic diseases. Identifiers: MedGen C0950123, MeSH D030342.

gnomAD v4.1: 2 of 1,570,576 alleles (0.00013%); highest among the groups gnomAD compares: Admixed American, 0.0037%; no homozygotes.

Submissions (3):

Labcorp Genetics (formerly Invitae), Labcorp
Classification: Uncertain significance. Last evaluated: 2023-11-07. Review status: criteria provided, single submitter. Criteria: Invitae Variant Classification Sherloc (09022015). Collection method: clinical testing. Allele origin: germline.
Comment: This sequence change replaces alanine, which is neutral and non-polar, with serine, which is neutral and polar, at codon 59 of the WFS1 protein (p.Ala59Ser). The frequency data for this variant in the population databases is considered unreliable, as metrics indicate poor data quality at this position in the gnomAD database. This variant has not been reported in the literature in individuals affected with WFS1-related conditions. ClinVar contains an entry for this variant (Variation ID: 1320724). Advanced modeling of protein sequence and biophysical properties (such as structural, functional, and spatial information, amino acid conservation, physicochemical variation, residue mobility, and thermodynamic stability) performed at Invitae indicates that this missense variant is not expected to disrupt WFS1 protein function with a negative predictive value of 95%. In summary, the available evidence is currently insufficient to determine the role of this variant in disease. Therefore, it has been classified as a Variant of Uncertain Significance.

Ambry Genetics
Classification: Uncertain significance for Inborn genetic diseases. Last evaluated: 2022-11-30. Review status: criteria provided, single submitter. Criteria: Ambry Variant Classification Scheme 2023. Collection method: clinical testing. Allele origin: germline.

GeneDx
Classification: Uncertain significance. Last evaluated: 2019-10-22. Review status: criteria provided, single submitter. Criteria: GeneDx Variant Classification Process June 2021. Collection method: clinical testing. Allele origin: germline. Affected: yes.
Comment: Not observed at a significant frequency in large population cohorts (Lek et al., 2016); In silico analysis, which includes protein predictors and evolutionary conservation, supports that this variant does not alter protein structure/function; Has not been previously published as pathogenic or benign to our knowledge